The following is an entry in ClinVar:

NM_001003800.2(BICD2):c.1858C>A (p.Pro620Thr)

Gene: BICD2 (BICD cargo adaptor 2; minus strand). Cytogenetic location: 9q22.31.
Variant type: single nucleotide variant.
Coding change: c.1858C>A on transcript NM_001003800.2 (MANE Select); coding-DNA position 1858, C replaced by A.
Protein change: p.Pro620Thr; replaces proline 620 with threonine.
Molecular consequence: missense variant.
Genome position (GRCh38, 1-based): chr9:92,718,787, G>T on the plus strand (C>A on the coding strand, the complement: BICD2 is on the minus strand). VCF-style: chr9-92718787-G-T. GRCh37 (hg19) VCF-style: chr9-95481069-G-T.
Other names: c.1858C>A, p.Pro620Thr (NM_015250.4); short protein forms P620T.
Identifiers: ClinVar variation 2807725 (VCV002807725.3), dbSNP rs1853384601, ClinGen allele CA374035289.

ClinVar aggregate classification (germline): Uncertain significance (1 of 4 stars; one submission).

Conditions:
Autosomal dominant childhood-onset proximal spinal muscular atrophy with contractures (SMALED2A). Also called: SPINAL MUSCULAR ATROPHY, LOWER EXTREMITY-PREDOMINANT, 2A, CHILDHOOD ONSET, AUTOSOMAL DOMINANT; Spinal muscular atrophy, lower extremity-predominant, 2A, autosomal dominant. Identifiers: Orphanet 363447, Orphanet 363454, MedGen C4747715, MONDO:0014121, OMIM 615290.

Submission:

Labcorp Genetics (formerly Invitae), Labcorp
Classification: Uncertain significance for Autosomal dominant childhood-onset proximal spinal muscular atrophy with contractures. Last evaluated: 2022-12-14. Review status: criteria provided, single submitter. Criteria: Invitae Variant Classification Sherloc (09022015). Collection method: clinical testing. Allele origin: germline.
Comment: In summary, the available evidence is currently insufficient to determine the role of this variant in disease. Therefore, it has been classified as a Variant of Uncertain Significance. Advanced modeling of protein sequence and biophysical properties (such as structural, functional, and spatial information, amino acid conservation, physicochemical variation, residue mobility, and thermodynamic stability) performed at Invitae indicates that this missense variant is not expected to disrupt BICD2 protein function. This variant has not been reported in the literature in individuals affected with BICD2-related conditions. This variant is not present in population databases (gnomAD no frequency). This sequence change replaces proline, which is neutral and non-polar, with threonine, which is neutral and polar, at codon 620 of the BICD2 protein (p.Pro620Thr).